The following is an entry in ClinVar:

NM_000660.7(TGFB1):c.711C>T (p.Asn237=)

Gene: TGFB1 (transforming growth factor beta 1; minus strand). Cytogenetic location: 19q13.2.
Variant type: single nucleotide variant.
Coding change: c.711C>T on transcript NM_000660.7 (MANE Select); coding-DNA position 711, C replaced by T.
Protein change: p.Asn237=; no amino-acid change (asparagine 237 retained).
Molecular consequence: synonymous variant.
Genome position (GRCh38, 1-based): chr19:41,342,171, G>A on the plus strand (C>T on the coding strand, the complement: TGFB1 is on the minus strand). VCF-style: chr19-41342171-G-A. GRCh37 (hg19) VCF-style: chr19-41848076-G-A.
Identifiers: ClinVar variation 1991792 (VCV001991792.4), dbSNP rs748234689, ClinGen allele CA9460026.

ClinVar aggregate classification (germline): Uncertain significance (1 of 4 stars; one submission).

Allele frequency attached by ClinVar (database versions not stated): gnomAD exomes 0.00001; ExAC 0.00002.

Submission:

Labcorp Genetics (formerly Invitae), Labcorp
Classification: Uncertain significance. Last evaluated: 2025-10-21. Review status: criteria provided, single submitter. Criteria: Invitae Variant Classification Sherloc (09022015). Collection method: clinical testing. Allele origin: germline.
Comment: This sequence change affects codon 237 of the TGFB1 mRNA. It is a 'silent' change, meaning that it does not change the encoded amino acid sequence of the TGFB1 protein. It affects a nucleotide within the consensus splice site. This variant is present in population databases (rs748234689, gnomAD 0.007%). This variant has not been reported in the literature in individuals affected with TGFB1-related conditions. ClinVar contains an entry for this variant (Variation ID: 1991792). Algorithms developed to predict the effect of sequence changes on RNA splicing suggest that this variant is not likely to affect RNA splicing. In summary, the available evidence is currently insufficient to determine the role of this variant in disease. Therefore, it has been classified as a Variant of Uncertain Significance.